The following is an entry in ClinVar:

NM_000540.3(RYR1):c.2681C>T (p.Pro894Leu)

Gene: RYR1 (ryanodine receptor 1; plus strand). Cytogenetic location: 19q13.2.
Variant type: single nucleotide variant.
Coding change: c.2681C>T on transcript NM_000540.3 (MANE Select); coding-DNA position 2681, C replaced by T.
Protein change: p.Pro894Leu; replaces proline 894 with leucine.
Molecular consequence: missense variant.
Genome position (GRCh38, 1-based): chr19:38,463,526, C>T. VCF-style: chr19-38463526-C-T. GRCh37 (hg19) VCF-style: chr19-38954166-C-T.
Other names: p.Pro894Leu; c.2681C>T, p.Pro894Leu (NM_001042723.2); short protein forms P894L.
Identifiers: ClinVar variation 573233 (VCV000573233.44), dbSNP rs758631999, ClinGen allele CA063705.

ClinVar aggregate classification (germline): Uncertain significance. Review status: criteria provided, multiple submitters, no conflicts (2 of 4 stars). 9 submissions from 9 submitters: Uncertain significance (9). Last evaluated 2026-01-26.

Conditions:
RYR1-related disorder. Also called: RYR1-related condition; RYR1-related disorders. Identifiers: MedGen CN239331.
Central core myopathy (CMYO1A). Also called: CONGENITAL MYOPATHY 1A, AUTOSOMAL DOMINANT, WITH SUSCEPTIBILITY TO MALIGNANT HYPERTHERMIA; Central core disease; Myopathy, central fibrillar. Identifiers: Orphanet 597, MedGen C5830701, MONDO:0007294, OMIM 117000.
Malignant hyperthermia, susceptibility to, 1 (MHS1). Also called: Anesthesia related hyperthermia; Malignant hyperpyrexia; Fulminating hyperpyrexia; Pharmacogenic myopathy; RYR1-Related Malignant Hyperthermia Susceptibility; Malignant hyperthermia suceptibility 1. Identifiers: Orphanet 423, MedGen C2930980, MONDO:0007783, OMIM 145600.
Congenital myopathy with fiber type disproportion. Also called: Congenital fiber-type disproportion myopathy; Congenital fiber-type disproportion. Identifiers: Orphanet 2020, MedGen C0546264, MONDO:0009711. Inheritance: all.
Congenital multicore myopathy with external ophthalmoplegia (CMYO1B). Also called: MULTICORE MYOPATHY; Minicore myopathy with external ophthalmoplegia; Congenital myopathy 1B, autosomal recessive; Minicore myopathy; MULTIMINICORE DISEASE WITH EXTERNAL OPHTHALMOPLEGIA. Identifiers: Orphanet 598, Orphanet 98905, MedGen C1850674, MONDO:0009712, OMIM 255320, HP:0003789.
King Denborough syndrome (KDS). Identifiers: MedGen C1840365, MONDO:0020485, OMIM 619542.

Allele frequency attached by ClinVar (database versions not stated): gnomAD exomes 0.00002; TOPMed 0.00005; gnomAD 0.00007.
gnomAD v4.1: 69 of 1,611,576 alleles (0.0043%); highest among the groups gnomAD compares: African/African-American, 0.011%; 1 homozygote.

Submissions (9):

Labcorp Genetics (formerly Invitae), Labcorp
Classification: Uncertain significance for RYR1-related disorder. Last evaluated: 2026-01-26. Review status: criteria provided, single submitter. Criteria: Invitae Variant Classification Sherloc (09022015). Collection method: clinical testing. Allele origin: germline.
Comment: This sequence change replaces proline, which is neutral and non-polar, with leucine, which is neutral and non-polar, at codon 894 of the RYR1 protein (p.Pro894Leu). This variant is present in population databases (rs758631999, gnomAD 0.01%). This missense change has been observed in individual(s) with myopathy (PMID: 32236737). ClinVar contains an entry for this variant (Variation ID: 573233). An algorithm developed to predict the effect of missense changes on protein structure and function outputs the following: PolyPhen-2: "Benign". The leucine amino acid residue is found in multiple mammalian species, which suggests that this missense change does not adversely affect protein function. In summary, the available evidence is currently insufficient to determine the role of this variant in disease. Therefore, it has been classified as a Variant of Uncertain Significance.

Blueprint Genetics
Classification: Uncertain significance. Last evaluated: 2024-10-09. Review status: criteria provided, single submitter. Criteria: ACMG Guidelines, 2015. Collection method: clinical testing. Allele origin: germline.

All of Us Research Program, National Institutes of Health
Classification: Uncertain significance for Malignant hyperthermia, susceptibility to, 1. Last evaluated: 2024-08-13. Review status: criteria provided, single submitter. Criteria: ACMG Guidelines, 2015. Collection method: clinical testing. Allele origin: germline. Inheritance: Autosomal dominant inheritance. Observed: 13 variant alleles, 13 heterozygotes.
Comment: This missense variant replaces proline with leucine at codon 894 of the RYR1 protein. Computational prediction suggests that this variant may not impact protein structure and function (internally defined REVEL score threshold <= 0.5, PMID: 27666373). To our knowledge, functional studies have not been reported for this variant. This variant has not been reported in individuals affected with RYR1-related disorders in the literature. This variant has been identified in 7/277200 chromosomes in the general population by the Genome Aggregation Database (gnomAD). The available evidence is insufficient to determine the role of this variant in disease conclusively. Therefore, this variant is classified as a Variant of Uncertain Significance.

This study involves interpretation of variants in research participants for the purpose of population health screening. Participant phenotype was not available at the time of variant classification. Additional details can be found in publication PMID: 35346344, PMCID: PMC8962531

Color Diagnostics, LLC DBA Color Health
Classification: Uncertain significance for Malignant hyperthermia, susceptibility to, 1. Last evaluated: 2024-07-30. Review status: criteria provided, single submitter. Criteria: ACMG Guidelines, 2015. Collection method: clinical testing. Allele origin: germline.
Comment: This missense variant replaces proline with leucine at codon 894 of the RYR1 protein. Computational prediction suggests that this variant may not impact protein structure and function. To our knowledge, functional studies have not been reported for this variant. This variant has not been reported in individuals affected with RYR1-related disorders in the literature. This variant has been identified in 7/277200 chromosomes in the general population by the Genome Aggregation Database (gnomAD). The available evidence is insufficient to determine the role of this variant in disease conclusively. Therefore, this variant is classified as a Variant of Uncertain Significance.

Mayo Clinic Laboratories, Mayo Clinic
Classification: Uncertain significance. Last evaluated: 2024-06-10. Review status: criteria provided, single submitter. Criteria: ACMG Guidelines, 2015. Collection method: clinical testing. Allele origin: germline. Observed: 2 variant alleles.

CeGaT Center for Human Genetics Tuebingen
Classification: Uncertain significance. Last evaluated: 2024-06-01. Review status: criteria provided, single submitter. Criteria: CeGaT Center For Human Genetics Tuebingen Variant Classification Criteria Version 2. Collection method: clinical testing. Allele origin: germline. Affected: yes. Observed: 2 variant alleles.
Comment: RYR1: PM2

Revvity Omics, Revvity
Classification: Uncertain significance. Last evaluated: 2022-03-15. Review status: criteria provided, single submitter. Criteria: ACMG Guidelines, 2015. Collection method: clinical testing. Allele origin: germline.

Fulgent Genetics
Classification: Uncertain significance for Central core myopathy; Malignant hyperthermia, susceptibility to, 1; Congenital myopathy 4A, autosomal dominant; Congenital multicore myopathy with external ophthalmoplegia; King Denborough syndrome. Last evaluated: 2021-11-15. Review status: criteria provided, single submitter. Criteria: ACMG Guidelines, 2015. Collection method: clinical testing. Allele origin: unknown.

PreventionGenetics, part of Exact Sciences
Classification: Uncertain significance. Last evaluated: 2016-05-20. Review status: criteria provided, single submitter. Criteria: ACMG Guidelines, 2015. Collection method: clinical testing. Allele origin: germline.

Literature cited by the submitters: PubMed 32236737 (cited by Labcorp Genetics (formerly Invitae), Labcorp).